The following is an entry in ClinVar:

ClinVar aggregate classification (germline): Uncertain significance. Review status: criteria provided, multiple submitters, no conflicts (2 of 4 stars). 4 submissions from 4 submitters: Uncertain significance (4). Last evaluated 2025-12-31.

Conditions:
Primary dilated cardiomyopathy (DCM). Also called: Dilated Cardiomyopathy. Identifiers: Orphanet 217604, MedGen C0007193, MeSH D002311, MONDO:0005021, HP:0001644. Inheritance: Various modes of inheritance.
Cardiovascular phenotype. Identifiers: MedGen CN230736.

Allele frequency attached by ClinVar (database versions not stated): ExAC 0.00004; gnomAD exomes 0.00006; ESP Exome Variant Server 0.00008; gnomAD 0.00013 and 0.00014; TOPMed 0.00015; 1000 Genomes Project 30x 0.00016.
gnomAD v4.1: 99 of 1,564,224 alleles (0.0063%); highest among the groups gnomAD compares: African/African-American, 0.039%; no homozygotes.

Submissions (4):

Labcorp Genetics (formerly Invitae), Labcorp
Classification: Uncertain significance for Primary dilated cardiomyopathy. Last evaluated: 2025-12-31. Review status: criteria provided, single submitter. Criteria: Invitae Variant Classification Sherloc (09022015). Collection method: clinical testing. Allele origin: germline.
Comment: This sequence change replaces valine, which is neutral and non-polar, with methionine, which is neutral and non-polar, at codon 67 of the TXNRD2 protein (p.Val67Met). The frequency data for this variant in the population databases is considered unreliable, as metrics indicate poor data quality at this position in the gnomAD database. This variant has not been reported in the literature in individuals affected with TXNRD2-related conditions. ClinVar contains an entry for this variant (Variation ID: 454282). Invitae Evidence Modeling of protein sequence and biophysical properties (such as structural, functional, and spatial information, amino acid conservation, physicochemical variation, residue mobility, and thermodynamic stability) indicates that this missense variant is not expected to disrupt TXNRD2 protein function with a negative predictive value of 80%. In summary, the available evidence is currently insufficient to determine the role of this variant in disease. Therefore, it has been classified as a Variant of Uncertain Significance.

GeneDx
Classification: Uncertain significance. Last evaluated: 2025-04-10. Review status: criteria provided, single submitter. Criteria: GeneDx Variant Classification Process June 2021. Collection method: clinical testing. Allele origin: germline. Affected: yes.
Comment: Identified in a patient with primary open-angle glaucoma (POAG) in published literature (PMID: 32476818); In silico analysis supports that this missense variant has a deleterious effect on protein structure/function; This variant is associated with the following publications: (PMID: 32476818)

Ambry Genetics
Classification: Uncertain significance for Cardiovascular phenotype. Last evaluated: 2025-02-13. Review status: criteria provided, single submitter. Criteria: Ambry Variant Classification Scheme 2023. Collection method: clinical testing. Allele origin: germline.
Comment: The p.V67M variant (also known as c.199G>A), located in coding exon 3 of the TXNRD2 gene, results from a G to A substitution at nucleotide position 199. The valine at codon 67 is replaced by methionine, an amino acid with highly similar properties. This amino acid position is highly conserved in available vertebrate species. In addition, the in silico prediction for this alteration is inconclusive. Since supporting evidence is limited at this time, the clinical significance of this alteration remains unclear.

CeGaT Center for Human Genetics Tuebingen
Classification: Uncertain significance. Last evaluated: 2023-03-01. Review status: criteria provided, single submitter. Criteria: CeGaT Center For Human Genetics Tuebingen Variant Classification Criteria Version 2. Collection method: clinical testing. Allele origin: germline. Affected: yes. Observed: 1 variant allele.
Comment: TXNRD2: PM2

NM_006440.5(TXNRD2):c.199G>A (p.Val67Met)

Gene: TXNRD2 (thioredoxin reductase 2; minus strand). Cytogenetic location: 22q11.21.
Variant type: single nucleotide variant.
Coding change: c.199G>A on transcript NM_006440.5 (MANE Select); coding-DNA position 199, G replaced by A.
Protein change: p.Val67Met; replaces valine 67 with methionine.
Molecular consequence: missense variant. On other transcripts: 5 prime UTR variant (1).
Genome position (GRCh38, 1-based): chr22:19,919,573, C>T on the plus strand (G>A on the coding strand, the complement: TXNRD2 is on the minus strand). VCF-style: chr22-19919573-C-T. GRCh37 (hg19) VCF-style: chr22-19907096-C-T.
Other names: c.196G>A, p.Val66Met (NM_001352300.2); c.109G>A, p.Val37Met (NM_001352301.2); c.-90G>A (NM_001352302.2); c.103G>A, p.Val35Met (NM_001352303.2); c.199G>A, p.Val67Met (NM_001282512.3); short protein forms V67M, V37M, V66M, V35M.
Identifiers: ClinVar variation 454282 (VCV000454282.39), dbSNP rs372803804, ClinGen allele CA10104303.